The following is an entry in ClinVar:

ClinVar aggregate classification (germline): Uncertain significance (1 of 4 stars; one submission).

Submission:

CeGaT Center for Human Genetics Tuebingen
Classification: Uncertain significance. Last evaluated: 2025-02-01. Review status: criteria provided, single submitter. Criteria: CeGaT Center For Human Genetics Tuebingen Variant Classification Criteria Version 2. Collection method: clinical testing. Allele origin: germline. Affected: yes. Observed: 1 variant allele.
Comment: RPS20: PM2, BP4

NM_001146227.3(RPS20):c.419G>C (p.Cys140Ser)

Gene: RPS20 (ribosomal protein S20; minus strand). Cytogenetic location: 8q12.1.
Variant type: single nucleotide variant.
Coding change: c.419G>C on transcript NM_001146227.3; coding-DNA position 419, G replaced by C.
Protein change: p.Cys140Ser; replaces cysteine 140 with serine.
Molecular consequence: missense variant.
Genome position (GRCh38, 1-based): chr8:56,069,748, C>G on the plus strand (G>C on the coding strand, the complement: RPS20 is on the minus strand). VCF-style: chr8-56069748-C-G. GRCh37 (hg19) VCF-style: chr8-56982307-C-G.
Other names: short protein forms C140S.
Identifiers: ClinVar variation 3772530 (VCV003772530.13).